The following is an entry in ClinVar:

ClinVar aggregate classification (germline): Uncertain significance. Review status: criteria provided, single submitter (1 of 4 stars). 2 submissions from 2 submitters: Uncertain significance (1). 1 of the submissions does not count toward it. Last evaluated 2024-07-07.

Conditions:
Flexion contracture. Also called: Contractures; Contracture; Flexion deformity. Identifiers: MedGen C0333068, HP:0001371.

Allele frequency attached by ClinVar (database versions not stated): ExAC 0.00002; gnomAD exomes 0.00002; TOPMed 0.00002; gnomAD 0.00003.
gnomAD v4.1: 26 of 1,555,248 alleles (0.0017%); highest among the groups gnomAD compares: Admixed American, 0.0075%; no homozygotes.

Submissions (2):

Labcorp Genetics (formerly Invitae), Labcorp
Classification: Uncertain significance. Last evaluated: 2024-07-07. Review status: criteria provided, single submitter. Criteria: Invitae Variant Classification Sherloc (09022015). Collection method: clinical testing. Allele origin: germline.
Comment: This sequence change replaces arginine, which is basic and polar, with tryptophan, which is neutral and slightly polar, at codon 42 of the FGFRL1 protein (p.Arg42Trp). The frequency data for this variant in the population databases is considered unreliable, as metrics indicate poor data quality at this position in the gnomAD database. This variant has not been reported in the literature in individuals affected with FGFRL1-related conditions. ClinVar contains an entry for this variant (Variation ID: 816793). An algorithm developed to predict the effect of missense changes on protein structure and function (PolyPhen-2) suggests that this variant is likely to be disruptive. In summary, the available evidence is currently insufficient to determine the role of this variant in disease. Therefore, it has been classified as a Variant of Uncertain Significance.

Lupski Lab, Baylor-Hopkins CMG, Baylor College of Medicine
Classification: Uncertain significance for Flexion contracture. Review status: no assertion criteria provided. Collection method: research. Allele origin: inherited. Inheritance: Autosomal recessive inheritance. Affected: yes. Observed: 1 variant allele, 3 heterozygotes, 1 homozygote. Not counted in ClinVar's aggregate classification.

NM_001004356.3(FGFRL1):c.124C>T (p.Arg42Trp)

Gene: FGFRL1 (fibroblast growth factor receptor like 1; plus strand). Cytogenetic location: 4p16.3.
Variant type: single nucleotide variant.
Coding change: c.124C>T on transcript NM_001004356.3 (MANE Select); coding-DNA position 124, C replaced by T.
Protein change: p.Arg42Trp; replaces arginine 42 with tryptophan.
Molecular consequence: missense variant.
Genome position (GRCh38, 1-based): chr4:1,022,247, C>T. VCF-style: chr4-1022247-C-T. GRCh37 (hg19) VCF-style: chr4-1016035-C-T.
Other names: c.124C>T, p.Arg42Trp (NM_001004358.1, NM_001370296.1, NM_021923.3); short protein forms R42W.
Identifiers: ClinVar variation 816793 (VCV000816793.4), dbSNP rs746384176, ClinGen allele CA2802583.